The following is an entry in ClinVar:

NM_001286577.2(C2CD3):c.2086-1G>C

Gene: C2CD3 (C2 domain containing 3 centriole elongation regulator; minus strand). Cytogenetic location: 11q13.4.
Variant type: single nucleotide variant.
Coding change: c.2086-1G>C on transcript NM_001286577.2 (MANE Select); the canonical splice acceptor site of the intron before coding-DNA position 2086, G replaced by C.
Molecular consequence: splice acceptor variant.
Genome position (GRCh38, 1-based): chr11:74,103,626, C>G on the plus strand (G>C on the coding strand, the complement: C2CD3 is on the minus strand). VCF-style: chr11-74103626-C-G. GRCh37 (hg19) VCF-style: chr11-73814671-C-G.
Other names: c.2086-1G>C (NM_015531.6).
Identifiers: ClinVar variation 2872783 (VCV002872783.3), dbSNP rs762444001, ClinGen allele CA6182709.
Genomic context (GRCh38, chr11:74,103,626, plus strand): 5'-ACTTAACTTAGTATTGATACCAGTGAAATCTTTGTTATCTGTAATAAGCTCCATGGTTAC[C>G]TGTAAAACACAAAAGGAGAAGAGTCAATAAGAATGTCCTTTAGAATTGGAATTAGAATTT-3'

ClinVar aggregate classification (germline): Likely pathogenic (1 of 4 stars; one submission).

Allele frequency attached by ClinVar (database versions not stated): gnomAD exomes 0.00001; gnomAD 0.00001; TOPMed 0.00001; ExAC 0.00001.
gnomAD v4.1: 19 of 1,602,770 alleles (0.0012%); highest among the groups gnomAD compares: Non-Finnish European, 0.0016%; no homozygotes.

Submission:

Labcorp Genetics (formerly Invitae), Labcorp
Classification: Likely pathogenic. Last evaluated: 2025-08-16. Review status: criteria provided, single submitter. Criteria: Invitae Variant Classification Sherloc (09022015). Collection method: clinical testing. Allele origin: germline.
Comment: This sequence change affects an acceptor splice site in intron 13 of the C2CD3 gene. It is expected to disrupt RNA splicing. Variants that disrupt the donor or acceptor splice site typically lead to a loss of protein function (PMID: 16199547), and loss-of-function variants in C2CD3 are known to be pathogenic (PMID: 24997988, 26477546). This variant is present in population databases (rs762444001, gnomAD 0.002%). This variant has not been reported in the literature in individuals affected with C2CD3-related conditions. ClinVar contains an entry for this variant (Variation ID: 2872783). Algorithms developed to predict the effect of sequence changes on RNA splicing suggest that this variant may disrupt the consensus splice site. In summary, the currently available evidence indicates that the variant is pathogenic, but additional data are needed to prove that conclusively. Therefore, this variant has been classified as Likely Pathogenic.

Literature cited by the submitters: PubMed 16199547; PubMed 24997988; PubMed 26477546.